The following is an entry in ClinVar:

NM_006767.4(LZTR1):c.1204A>T (p.Ile402Phe)

Gene: LZTR1 (leucine zipper like post translational regulator 1; plus strand). Cytogenetic location: 22q11.21.
Variant type: single nucleotide variant.
Coding change: c.1204A>T on transcript NM_006767.4 (MANE Select); coding-DNA position 1204, A replaced by T.
Protein change: p.Ile402Phe; replaces isoleucine 402 with phenylalanine.
Molecular consequence: missense variant.
Genome position (GRCh38, 1-based): chr22:20,992,848, A>T. VCF-style: chr22-20992848-A-T. GRCh37 (hg19) VCF-style: chr22-21347137-A-T.
Other names: short protein forms I402F.
Identifiers: ClinVar variation 3364679 (VCV003364679.2).

ClinVar aggregate classification (germline): Uncertain significance. Review status: criteria provided, multiple submitters, no conflicts (2 of 4 stars). 2 submissions from 2 submitters: Uncertain significance (2). Last evaluated 2024-08-14.

Submissions (2):

Blueprint Genetics
Classification: Uncertain significance. Last evaluated: 2024-08-14. Review status: criteria provided, single submitter. Criteria: ACMG Guidelines, 2015. Collection method: clinical testing. Allele origin: germline.

GeneDx
Classification: Uncertain significance. Last evaluated: 2023-11-21. Review status: criteria provided, single submitter. Criteria: GeneDx Variant Classification Process June 2021. Collection method: clinical testing. Allele origin: germline. Affected: yes.
Comment: Not observed at significant frequency in large population cohorts (gnomAD); In silico analysis supports that this missense variant has a deleterious effect on protein structure/function; Has not been previously published as pathogenic or benign to our knowledge